The following is an entry in ClinVar:

ClinVar aggregate classification (germline): Uncertain significance (1 of 4 stars; one submission).

Conditions:
Gingival disorder. Also called: Gingival disease. Identifiers: MedGen C0017563, MONDO:0002021.

Allele frequency attached by ClinVar (database versions not stated): TOPMed below 0.00001; ExAC 0.00002.

Submission:

Labcorp Genetics (formerly Invitae), Labcorp
Classification: Uncertain significance for Gingival disorder. Last evaluated: 2025-05-13. Review status: criteria provided, single submitter. Criteria: Invitae Variant Classification Sherloc (09022015). Collection method: clinical testing. Allele origin: germline.
Comment: This sequence change replaces glycine, which is neutral and non-polar, with aspartic acid, which is acidic and polar, at codon 169 of the FPR1 protein (p.Gly169Asp). This variant is present in population databases (rs774585820, gnomAD 0.02%). This variant has not been reported in the literature in individuals affected with FPR1-related conditions. ClinVar contains an entry for this variant (Variation ID: 2192186). An algorithm developed to predict the effect of missense changes on protein structure and function outputs the following: PolyPhen-2: "Benign". The aspartic acid amino acid residue is found in multiple mammalian species, which suggests that this missense change does not adversely affect protein function. In summary, the available evidence is currently insufficient to determine the role of this variant in disease. Therefore, it has been classified as a Variant of Uncertain Significance.

NM_002029.4(FPR1):c.506G>A (p.Gly169Asp)

Gene: FPR1 (formyl peptide receptor 1; minus strand). Cytogenetic location: 19q13.41.
Variant type: single nucleotide variant.
Coding change: c.506G>A on transcript NM_002029.4 (MANE Select); coding-DNA position 506, G replaced by A.
Protein change: p.Gly169Asp; replaces glycine 169 with aspartic acid.
Molecular consequence: missense variant.
Genome position (GRCh38, 1-based): chr19:51,746,489, C>T on the plus strand (G>A on the coding strand, the complement: FPR1 is on the minus strand). VCF-style: chr19-51746489-C-T. GRCh37 (hg19) VCF-style: chr19-52249742-C-T.
Other names: c.506G>A, p.Gly169Asp (NM_001193306.2); short protein forms G169D.
Identifiers: ClinVar variation 2192186 (VCV002192186.4), dbSNP rs774585820, ClinGen allele CA9616451.